The following is an entry in ClinVar:

NM_001199107.2(TBC1D24):c.1526-1G>C

Gene: TBC1D24 (TBC1 domain family member 24; plus strand). Cytogenetic location: 16p13.3.
Variant type: single nucleotide variant.
Coding change: c.1526-1G>C on transcript NM_001199107.2 (MANE Select); the canonical splice acceptor site of the intron before coding-DNA position 1526, G replaced by C.
Molecular consequence: splice acceptor variant.
Genome position (GRCh38, 1-based): chr16:2,500,803, G>C. VCF-style: chr16-2500803-G-C. GRCh37 (hg19) VCF-style: chr16-2550804-G-C.
Other names: c.1508-1G>C (NM_020705.3).
Identifiers: ClinVar variation 4812788 (VCV004812788.1).

ClinVar aggregate classification (germline): Uncertain significance (1 of 4 stars; one submission).

Conditions:
Autosomal dominant nonsyndromic hearing loss 65. Also called: Deafness, autosomal dominant 65; TBC1D24-Related Autosomal Dominant Nonsyndromic Hearing Loss (DFNA). Identifiers: Orphanet 90635, MedGen C3892048, MONDO:0014470, OMIM 616044.
Developmental and epileptic encephalopathy, 1 (DEE1). Also called: INFANTILE SPASM SYNDROME, X-LINKED 1; X-linked infantile spasms; West's syndrome; Tonic spasms with clustering, arrest of psychomotor development and hypsarrhythmia on EEG; X-Linked Infantile Spasm Syndrome; OHTAHARA SYNDROME, X-LINKED. Identifiers: MedGen C3463992, MONDO:0010632, OMIM 308350. Disease mechanism: loss of function.

gnomAD v4.1: 1 of 1,603,302 alleles (0.000062%); highest among the groups gnomAD compares: South Asian, 0.0011%; no homozygotes.

Submission:

Labcorp Genetics (formerly Invitae), Labcorp
Classification: Uncertain significance for Developmental and epileptic encephalopathy, 1; Autosomal dominant nonsyndromic hearing loss 65. Last evaluated: 2025-11-19. Review status: criteria provided, single submitter. Criteria: Invitae Variant Classification Sherloc (09022015). Collection method: clinical testing. Allele origin: germline.
Comment: This sequence change affects an acceptor splice site in intron 7 of the TBC1D24 gene. While this variant is not anticipated to result in nonsense mediated decay, it likely alters RNA splicing and results in a disrupted protein product. This variant is present in population databases (rs752494065, gnomAD 0.003%). Disruption of this splice site has been observed in individual(s) with clinical features of autosomal recessive TBC1D24-related conditions (PMID: 31112829). In at least one individual the data is consistent with being in trans (on the opposite chromosome) from a pathogenic variant. Variants that disrupt the consensus splice site are a relatively common cause of aberrant splicing (PMID: 17576681, 9536098). Algorithms developed to predict the effect of sequence changes on RNA splicing suggest that this variant may disrupt the consensus splice site. In summary, the available evidence is currently insufficient to determine the role of this variant in disease. Therefore, it has been classified as a Variant of Uncertain Significance.

Literature cited by the submitters: PubMed 31112829; PubMed 17576681; PubMed 9536098.